The following is an entry in ClinVar:

ClinVar aggregate classification (germline): Conflicting classifications of pathogenicity. Review status: criteria provided, conflicting classifications (1 of 4 stars). 2 submissions from 2 submitters: Likely pathogenic (1); Uncertain risk allele (1). Last evaluated 2017-09-07.

Conditions:
Maturity-onset diabetes of the young type 10. Identifiers: Orphanet 552, MedGen C3150617, MONDO:0013240, OMIM 613370.
Neonatal insulin-dependent diabetes mellitus. Identifiers: MedGen C3278636, HP:0000857.

Submissions (2):

Translational Genomics Laboratory, University of Maryland School of Medicine
Classification: Likely pathogenic for Maturity-onset diabetes of the young, type 10. Last evaluated: 2017-09-07. Review status: criteria provided, single submitter. Criteria: ACMG Guidelines, 2015. Collection method: clinical testing. Allele origin: germline. Affected: yes.
Comment: The c.290C>G variant in codon 97 (exon 3) of the insulin gene, INS, results in the substitution of Threonine to Serine. Missense variants in the INS gene are a common cause of permanent neonatal diabetes and a rare cause of a subtype of mature onset diabetes of the young (MODY) called MODY10 (17855560; 18192540; 18162506; 20226046; 25542748). The c.290C>G variant was not observed in the NHLBI Exome Sequencing Project, 1000 Genomes Project, or Exome Aggregation Consortium databases. Multiple lines of computational evidence (FATHMM, GERP) predict this variant is probably damaging to the protein structure, function, or protein-protein interaction. In particular, the c.290C>G variant is located within the alpha-chain of the protein, and may be important for proper folding of the proinsulin molecule (18162506). Additionally, there is little benign variation in this region among individuals in population databases and within the literature. ACMG criteria = PM1, PM2, PP2, PP3

Clinical Genomics, Uppaluri K&H Personalized Medicine Clinic
Classification: Uncertain risk allele for Neonatal insulin-dependent diabetes mellitus. Review status: criteria provided, single submitter. Criteria: K & H Uppaluri Personalized Medicine Clinic Variant Classification & Assertion Criteria_Updated V.1. Collection method: research. Allele origin: unknown.
Comment: Mutations in INS gene can cause early onset diabetes mellitus which is insulin dependent. May have poor response to sulfonylureas, as this mutation can cause beta cell destruction. However no sufficient evidence is found to ascertain the role of this particular variant rs1564911425, yet.

Literature cited by the submitters: PubMed 17855560 (cited by Translational Genomics Laboratory, University of Maryland School of Medicine); PubMed 18192540 (cited by Translational Genomics Laboratory, University of Maryland School of Medicine); PubMed 18162506 (cited by Translational Genomics Laboratory, University of Maryland School of Medicine); PubMed 20226046 (cited by Translational Genomics Laboratory, University of Maryland School of Medicine); PubMed 25542748 (cited by Translational Genomics Laboratory, University of Maryland School of Medicine and Clinical Genomics, Uppaluri K&H Personalized Medicine Clinic); PubMed 11921414 (cited by Clinical Genomics, Uppaluri K&H Personalized Medicine Clinic); PubMed 26101329 (cited by Clinical Genomics, Uppaluri K&H Personalized Medicine Clinic); PubMed 18171712 (cited by Clinical Genomics, Uppaluri K&H Personalized Medicine Clinic).

NM_000207.3(INS):c.290C>G (p.Thr97Ser)

Genes: INS-IGF2 (INS-IGF2 readthrough; minus strand), INS (insulin; minus strand). Cytogenetic location: 11p15.5.
Variant type: single nucleotide variant.
Coding change: c.290C>G on transcript NM_000207.3 (MANE Select); coding-DNA position 290, C replaced by G.
Protein change: p.Thr97Ser; replaces threonine 97 with serine.
Molecular consequence: missense variant. On other transcripts: intron variant (1).
Genome position (GRCh38, 1-based): chr11:2,159,895, G>C on the plus strand (C>G on the coding strand, the complement: INS is on the minus strand). VCF-style: chr11-2159895-G-C. GRCh37 (hg19) VCF-style: chr11-2181125-G-C.
Other names: c.290C>G, p.Thr97Ser (NM_001185097.2, NM_001185098.2, NM_001291897.2); c.187+890C>G (NM_001042376.3); short protein forms T97S.
Identifiers: ClinVar variation 617648 (VCV000617648.2), dbSNP rs1564911425, ClinGen allele CA379120852.